The following is an entry in ClinVar:

ClinVar aggregate classification (germline): Conflicting classifications of pathogenicity. Review status: criteria provided, conflicting classifications (1 of 4 stars). 2 submissions from 2 submitters: Uncertain significance (1); Likely benign (1). Last evaluated 2025-01-23.

Conditions:
Emery-Dreifuss muscular dystrophy (EDMD). Also called: Scapuloperoneal syndrome, X-linked (formerly); Humeroperoneal neuromuscular disease, (formerly). Identifiers: Orphanet 261, MedGen C0410189, MONDO:0016830.

Allele frequency attached by ClinVar (database versions not stated): gnomAD 0.00001; TOPMed 0.00002; ExAC 0.00003.

Submissions (2):

Ambry Genetics
Classification: Likely benign. Last evaluated: 2025-01-23. Review status: criteria provided, single submitter. Criteria: Ambry Variant Classification Scheme 2023. Collection method: clinical testing. Allele origin: germline.

Labcorp Genetics (formerly Invitae), Labcorp
Classification: Uncertain significance for Emery-Dreifuss muscular dystrophy. Last evaluated: 2025-01-06. Review status: criteria provided, single submitter. Criteria: Invitae Variant Classification Sherloc (09022015). Collection method: clinical testing. Allele origin: germline.
Comment: This sequence change replaces alanine, which is neutral and non-polar, with threonine, which is neutral and polar, at codon 80 of the SUN1 protein (p.Ala80Thr). This variant is present in population databases (rs775882448, gnomAD 0.007%). This variant has not been reported in the literature in individuals affected with SUN1-related conditions. ClinVar contains an entry for this variant (Variation ID: 1001133). An algorithm developed to predict the effect of missense changes on protein structure and function outputs the following: PolyPhen-2: "Benign". The threonine amino acid residue is found in multiple mammalian species, which suggests that this missense change does not adversely affect protein function. In summary, the available evidence is currently insufficient to determine the role of this variant in disease. Therefore, it has been classified as a Variant of Uncertain Significance.

NM_001130965.3(SUN1):c.238G>A (p.Ala80Thr)

Gene: SUN1 (Sad1 and UNC84 domain containing 1; plus strand). Cytogenetic location: 7p22.3.
Variant type: single nucleotide variant.
Coding change: c.238G>A on transcript NM_001130965.3 (MANE Select); coding-DNA position 238, G replaced by A.
Protein change: p.Ala80Thr; replaces alanine 80 with threonine.
Molecular consequence: missense variant. On other transcripts: 5 prime UTR variant (2), non-coding transcript variant (3), intron variant (2).
Genome position (GRCh38, 1-based): chr7:838,958, G>A. VCF-style: chr7-838958-G-A. GRCh37 (hg19) VCF-style: chr7-878595-G-A.
Other names: c.238G>A (NM_001130965.2); c.238G>A, p.Ala80Thr (NM_001171944.2, NM_001171946.2, NM_001367633.1 and 34 more transcripts); c.301G>A, p.Ala101Thr (NM_001171945.2); c.-220G>A (NM_001367635.1); c.88G>A, p.Ala30Thr (NM_001367636.1, NM_001367637.1, NM_001367644.1 and 24 more transcripts); c.457G>A, p.Ala153Thr (NM_001367651.1); c.-524G>A (NM_001367658.1); c.78-2988G>A (NM_001367695.1); and 1 more; short protein forms A101T, A153T, A30T, A80T.
Identifiers: ClinVar variation 1001133 (VCV001001133.7), dbSNP rs775882448, ClinGen allele CA4111422.
Genomic context (GRCh38, chr7:838,958, plus strand): 5'-ACGACAGCATGCACCCTGGGGGATGGTGAGGCTGTGGGTGCCGACAGCGGCACCAGCAGC[G>A]CTGTCTCCCTGAAGAACCGAGCGGCCAGGTGAGCACCGCTGCACTTCCTCTCCATCTGAT-3'
Protein context (NP_001124437.1, residues 70-90): AVGADSGTSS[Ala80Thr]VSLKNRAART